The following is an entry in ClinVar:

NM_000383.4(AIRE):c.1132dup (p.Arg378fs)

Gene: AIRE (autoimmune regulator; plus strand). Cytogenetic location: 21q22.3.
Variant type: Duplication.
Coding change: c.1132dup on transcript NM_000383.4 (MANE Select); coding-DNA position 1132, one base duplicated (A; older notation c.1132dupA).
Protein change: p.Arg378fs; shifts the reading frame from arginine 378.
Molecular consequence: frameshift variant.
Genome position (GRCh38, 1-based): chr21:44,293,029, A duplicated; the last of 2 consecutive A bases (chr21:44,293,028-44,293,029); duplicating either gives the same sequence. VCF-style (leftmost placement, unchanged base first): chr21-44293027-T-TA. GRCh37 (hg19) VCF-style: chr21-45712910-T-TA.
Other names: short protein forms R378fs.
Identifiers: ClinVar variation 4993258 (VCV004993258.1).

ClinVar aggregate classification (germline): Likely pathogenic (1 of 4 stars; one submission).

Conditions:
AIRE-related disorder. Also called: AIRE-related condition.

Submission:

PreventionGenetics, part of Exact Sciences
Classification: Likely pathogenic for AIRE-related condition. Last evaluated: 2026-04-14. Review status: criteria provided, single submitter. Criteria: ACMG Guidelines, 2015. Collection method: clinical testing. Allele origin: germline.
Comment: The AIRE c.1132dupA variant is predicted to result in a frameshift and premature protein termination (p.Arg378Lysfs*46). To our knowledge, this variant has not been reported in the literature or in a large population database (gnomAD), indicating this variant is rare. Frameshift variants in AIRE are expected to be pathogenic. This variant is interpreted as likely pathogenic.